The following is an entry in ClinVar:

NM_001114753.3(ENG):c.653dup (p.His219fs)

Gene: ENG (endoglin; minus strand). Cytogenetic location: 9q34.11.
Variant type: Duplication.
Coding change: c.653dup on transcript NM_001114753.3 (MANE Select); coding-DNA position 653, one base duplicated (C; older notation c.653dupC).
Protein change: p.His219fs; shifts the reading frame from histidine 219.
Molecular consequence: frameshift variant.
Genome position (GRCh38, 1-based): chr9:127,825,731, G duplicated on the plus strand (C on the coding strand, the reverse complement: ENG is on the minus strand). VCF-style (leftmost placement, unchanged base first): chr9-127825730-C-CG. GRCh37 (hg19) VCF-style: chr9-130588009-C-CG.
Other names: c.653dup, p.His219fs (NM_000118.4, NM_001406715.1); c.107dup, p.His37fs (NM_001278138.2); short protein forms H219fs, H37fs.
Identifiers: ClinVar variation 3340577 (VCV003340577.1).

ClinVar aggregate classification (germline): Pathogenic (1 of 4 stars; one submission).

Submission:

GeneDx
Classification: Pathogenic. Last evaluated: 2023-09-11. Review status: criteria provided, single submitter. Criteria: GeneDx Variant Classification Process June 2021. Collection method: clinical testing. Allele origin: germline. Affected: yes.
Comment: Not observed at significant frequency in large population cohorts (gnomAD); Frameshift variant predicted to result in protein truncation or nonsense mediated decay in a gene for which loss of function is a known mechanism of disease; This variant is associated with the following publications: (PMID: 16752392, 22991266)